The following is an entry in ClinVar:

ClinVar aggregate classification (germline): Pathogenic (1 of 4 stars; one submission).

Conditions:
Familial adenomatous polyposis 2. Also called: Adenomas, multiple colorectal; MUTYH Polyposis; COLORECTAL ADENOMATOUS POLYPOSIS, AUTOSOMAL RECESSIVE; ADENOMAS, MULTIPLE COLORECTAL, AUTOSOMAL RECESSIVE; FAP type 2; MUTYH-associated polyposis. Identifiers: Orphanet 220460, Orphanet 247798, MedGen C3272841, MONDO:0012041, OMIM 608456.

Submission:

Labcorp Genetics (formerly Invitae), Labcorp
Classification: Pathogenic for Familial adenomatous polyposis 2. Last evaluated: 2025-03-17. Review status: criteria provided, single submitter. Criteria: Invitae Variant Classification Sherloc (09022015). Collection method: clinical testing. Allele origin: germline.
Comment: This sequence change creates a premature translational stop signal (p.Gln299*) in the MUTYH gene. It is expected to result in an absent or disrupted protein product. Loss-of-function variants in MUTYH are known to be pathogenic (PMID: 18534194, 20663686). This variant is not present in population databases (gnomAD no frequency). This variant has not been reported in the literature in individuals affected with MUTYH-related conditions. ClinVar contains an entry for this variant (Variation ID: 1068517). For these reasons, this variant has been classified as Pathogenic.

Literature cited by the submitters: PubMed 18534194; PubMed 20663686.

NM_001048174.2(MUTYH):c.811C>T (p.Gln271Ter)

Gene: MUTYH (mutY DNA glycosylase; minus strand). Cytogenetic location: 1p34.1.
Variant type: single nucleotide variant.
Coding change: c.811C>T on transcript NM_001048174.2 (MANE Select); coding-DNA position 811, C replaced by T.
Protein change: p.Gln271Ter; replaces glutamine 271 with a stop codon.
Molecular consequence: nonsense. On other transcripts: non-coding transcript variant (2).
Genome position (GRCh38, 1-based): chr1:45,332,204, G>A on the plus strand (C>T on the coding strand, the complement: MUTYH is on the minus strand). VCF-style: chr1-45332204-G-A. GRCh37 (hg19) VCF-style: chr1-45797876-G-A.
Other names: c.811C>T, p.Gln271Ter (NM_001048171.2, NM_001048173.2, NM_001293195.2); c.814C>T, p.Gln272Ter (NM_001048172.2); c.895C>T, p.Gln299Ter (NM_001128425.2); c.856C>T, p.Gln286Ter (NM_001293190.2); c.844C>T, p.Gln282Ter (NM_001293191.2); c.535C>T, p.Gln179Ter (NM_001293192.2, NM_001293196.2); c.466C>T, p.Gln156Ter (NM_001350650.2, NM_001350651.2); c.886C>T, p.Gln296Ter (NM_012222.3); short protein forms Q156*, Q179*, Q271*, Q272*, Q282*, Q286*, Q296*, Q299*.
Identifiers: ClinVar variation 1068517 (VCV001068517.7), dbSNP rs2149137694, ClinGen allele CA340134418.